The following is an entry in ClinVar:

NM_006371.5(CRTAP):c.904C>T (p.Gln302Ter)

Gene: CRTAP (cartilage associated protein; plus strand). Cytogenetic location: 3p22.3.
Variant type: single nucleotide variant.
Coding change: c.904C>T on transcript NM_006371.5 (MANE Select); coding-DNA position 904, C replaced by T.
Protein change: p.Gln302Ter; replaces glutamine 302 with a stop codon.
Molecular consequence: nonsense. On other transcripts: intron variant (1).
Genome position (GRCh38, 1-based): chr3:33,130,049, C>T. VCF-style: chr3-33130049-C-T. GRCh37 (hg19) VCF-style: chr3-33171541-C-T.
Other names: c.904C>T, p.Gln302Ter (NM_001393363.1); c.754C>T, p.Gln252Ter (NM_001393365.1); c.794-2506C>T (NM_001393364.1); short protein forms Q252*, Q302*.
Identifiers: ClinVar variation 3383072 (VCV003383072.2).
Genomic context (GRCh38, chr3:33,130,049, plus strand): 5'-ACCCCAGTTATAGGAGGCTATCCGGTTGAGAAATTTGTGGCTACCATGTATCATTACTTG[C>T]AGTTTGCCTATTATAAGTGTAAGTAATCTTCTGTGACATCTTGGGTGAGGCACTTAGTCC-3'

ClinVar aggregate classification (germline): Pathogenic (1 of 4 stars; one submission).

Conditions:
Osteogenesis imperfecta type 7 (OI7). Also called: Osteogenesis imperfecta type 2B; OI type 2B; Osteogenesis imperfecta, perinatal lethal autosomal recessive; OI type IIB; OSTEOGENESIS IMPERFECTA, TYPE IIB; OI type 7. Identifiers: MedGen C1853162, MONDO:0012536, OMIM 610682.

Submission:

Juno Genomics, Hangzhou Juno Genomics, Inc
Classification: Pathogenic for Osteogenesis imperfecta type 7. Review status: criteria provided, single submitter. Criteria: ACMG Guidelines, 2015. Collection method: clinical testing. Allele origin: germline. Affected: yes.
Comment: Null variant in a gene where loss of function (LOF) is a known mechanism of disease.;Absent from controls (or at extremely low frequency if recessive) in Genome Aggregation Database, Exome Sequencing Project, 1000 Genomes Project, or Exome Aggregation Consortium.;Patient's phenotype or family history is highly specific for a disease with a single genetic etiology.